The following is an entry in ClinVar:

NM_001040108.2(MLH3):c.3628G>A (p.Glu1210Lys)

Gene: MLH3 (mutL homolog 3; minus strand). Cytogenetic location: 14q24.3.
Variant type: single nucleotide variant.
Coding change: c.3628G>A on transcript NM_001040108.2 (MANE Select); coding-DNA position 3628, G replaced by A.
Protein change: p.Glu1210Lys; replaces glutamic acid 1210 with lysine.
Molecular consequence: missense variant.
Genome position (GRCh38, 1-based): chr14:75,038,355, C>T on the plus strand (G>A on the coding strand, the complement: MLH3 is on the minus strand). VCF-style: chr14-75038355-C-T. GRCh37 (hg19) VCF-style: chr14-75505058-C-T.
Other names: c.3628G>A, p.Glu1210Lys (NM_014381.3); short protein forms E1210K.
Identifiers: ClinVar variation 5024615 (VCV005024615.1).

ClinVar aggregate classification (germline): Uncertain significance (1 of 4 stars; one submission).

Submission:

Ambry Genetics
Classification: Uncertain significance. Last evaluated: 2026-08-11. Review status: criteria provided, single submitter. Criteria: Ambry Variant Classification Scheme 2023. Collection method: clinical testing. Allele origin: germline.
Comment: The p.E1210K variant (also known as c.3628G>A), located in coding exon 5 of the MLH3 gene, results from a G to A substitution at nucleotide position 3628. The glutamic acid at codon 1210 is replaced by lysine, an amino acid with similar properties. This amino acid position is well conserved in available vertebrate species. In addition, the in silico prediction for this alteration is inconclusive. Based on the available evidence, the clinical significance of this variant remains unclear.